The following is an entry in ClinVar:

ClinVar aggregate classification (germline): Pathogenic. Review status: criteria provided, single submitter (1 of 4 stars). 2 submissions from 2 submitters: Pathogenic (1). 1 of the submissions does not count toward it. Last evaluated 2023-09-04.

Conditions:
Charcot-Marie-Tooth disease type 2. Also called: Charcot-Marie-Tooth type 2. Identifiers: Orphanet 64746, MedGen C0270914, MONDO:0018993.

Submissions (2):

Labcorp Genetics (formerly Invitae), Labcorp
Classification: Pathogenic for Charcot-Marie-Tooth disease type 2. Last evaluated: 2023-09-04. Review status: criteria provided, single submitter. Criteria: Invitae Variant Classification Sherloc (09022015). Collection method: clinical testing. Allele origin: germline.
Comment: For these reasons, this variant has been classified as Pathogenic. This variant has not been reported in the literature in individuals affected with BSCL2-related conditions. This variant is not present in population databases (gnomAD no frequency). This sequence change creates a premature translational stop signal (p.Tyr133*) in the BSCL2 gene. It is expected to result in an absent or disrupted protein product. Loss-of-function variants in BSCL2 are known to be pathogenic (PMID: 11479539, 23564749).

Genetics and Genomic Medicine Centre, NeuroGen Healthcare, NeuroGen Healthcare
Classification: Pathogenic. Last evaluated: 2022-03-25. Review status: no assertion criteria provided. Collection method: clinical testing. Allele origin: unknown. Affected: yes. Not counted in ClinVar's aggregate classification.

Literature cited by the submitters: PubMed 11479539 (cited by Labcorp Genetics (formerly Invitae), Labcorp); PubMed 23564749 (cited by Labcorp Genetics (formerly Invitae), Labcorp).

NM_001122955.4(BSCL2):c.591C>A (p.Tyr197Ter)

Genes: BSCL2 (BSCL2 lipid droplet biogenesis associated, seipin; minus strand), HNRNPUL2-BSCL2 (HNRNPUL2-BSCL2 readthrough (NMD candidate); minus strand). Cytogenetic location: 11q12.3.
Variant type: single nucleotide variant.
Coding change: c.591C>A on transcript NM_001122955.4 (MANE Select); coding-DNA position 591, C replaced by A.
Protein change: p.Tyr197Ter; replaces tyrosine 197 with a stop codon.
Molecular consequence: nonsense. On other transcripts: non-coding transcript variant (1).
Genome position (GRCh38, 1-based): chr11:62,694,607, G>T on the plus strand (C>A on the coding strand, the complement: BSCL2 is on the minus strand). VCF-style: chr11-62694607-G-T. GRCh37 (hg19) VCF-style: chr11-62462079-G-T.
Other names: c.399C>A, p.Tyr133Ter (NM_001130702.2, NM_032667.6); c.591C>A, p.Tyr197Ter (NM_001386027.1, NM_001386028.1); short protein forms Y133*, Y197*.
Identifiers: ClinVar variation 2664673 (VCV002664673.5), dbSNP rs1402657239, ClinGen allele CA380965464.